The following is an entry in ClinVar:

NM_003079.5(SMARCE1):c.70G>A (p.Gly24Arg)

Gene: SMARCE1 (SWI/SNF related BAF chromatin remodeling complex subunit E1; minus strand). Cytogenetic location: 17q21.2.
Variant type: single nucleotide variant.
Coding change: c.70G>A on transcript NM_003079.5 (MANE Select); coding-DNA position 70, G replaced by A.
Protein change: p.Gly24Arg; replaces glycine 24 with arginine.
Molecular consequence: missense variant.
Genome position (GRCh38, 1-based): chr17:40,642,541, C>T on the plus strand (G>A on the coding strand, the complement: SMARCE1 is on the minus strand). VCF-style: chr17-40642541-C-T. GRCh37 (hg19) VCF-style: chr17-38798793-C-T.
Other names: short protein forms G24R.
Identifiers: ClinVar variation 3958596 (VCV003958596.1).

ClinVar aggregate classification (germline): Uncertain significance (1 of 4 stars; one submission).

Conditions:
Hereditary cancer-predisposing syndrome. Also called: Tumor predisposition; Hereditary neoplastic syndrome; Hereditary Cancer Syndrome; Neoplastic Syndromes, Hereditary. Identifiers: Orphanet 140162, MedGen C0027672, MeSH D009386, MONDO:0015356.

Submission:

Ambry Genetics
Classification: Uncertain significance for Hereditary cancer-predisposing syndrome. Last evaluated: 2025-04-18. Review status: criteria provided, single submitter. Criteria: Ambry Variant Classification Scheme 2023. Collection method: clinical testing. Allele origin: germline.
Comment: The p.G24R variant (also known as c.70G>A), located in coding exon 3 of the SMARCE1 gene, results from a G to A substitution at nucleotide position 70. The glycine at codon 24 is replaced by arginine, an amino acid with dissimilar properties. This amino acid position is conserved. In addition, the in silico prediction for this alteration is inconclusive. Based on the available evidence, the clinical significance of this variant remains unclear.